The following is an entry in ClinVar:

ClinVar aggregate classification (germline): Uncertain significance. Review status: criteria provided, multiple submitters, no conflicts (2 of 4 stars). 2 submissions from 2 submitters: Uncertain significance (2). Last evaluated 2021-09-23.

Conditions:
Inborn genetic diseases. Identifiers: MedGen C0950123, MeSH D030342.

Allele frequency attached by ClinVar (database versions not stated): TOPMed 0.00002; gnomAD 0.00003 and 0.00007; gnomAD exomes 0.00007 and 0.00010; ExAC 0.00008; 1000 Genomes Project 30x 0.00031; 1000 Genomes Project 0.00040.
gnomAD v4.1: 152 of 1,614,182 alleles (0.0094%); highest among the groups gnomAD compares: East Asian, 0.34%; 1 homozygote.

Submissions (2):

Labcorp Genetics (formerly Invitae), Labcorp
Classification: Uncertain significance. Last evaluated: 2021-09-23. Review status: criteria provided, single submitter. Criteria: Invitae Variant Classification Sherloc (09022015). Collection method: clinical testing. Allele origin: germline.
Comment: In summary, the available evidence is currently insufficient to determine the role of this variant in disease. Therefore, it has been classified as a Variant of Uncertain Significance. Algorithms developed to predict the effect of missense changes on protein structure and function are either unavailable or do not agree on the potential impact of this missense change (SIFT: "Not Available"; PolyPhen-2: "Probably Damaging"; Align-GVGD: "Not Available"). ClinVar contains an entry for this variant (Variation ID: 1026424). This missense change has been observed in individual(s) with clinical features of FN1-related conditions (Invitae). This variant is present in population databases (rs187465805, ExAC 0.1%), and has an allele count higher than expected for a pathogenic variant (PMID: 28166811). This sequence change replaces asparagine with aspartic acid at codon 172 of the FN1 protein (p.Asn172Asp). The asparagine residue is highly conserved and there is a small physicochemical difference between asparagine and aspartic acid.

Ambry Genetics
Classification: Uncertain significance for Inborn genetic diseases. Last evaluated: 2021-09-16. Review status: criteria provided, single submitter. Criteria: Ambry Variant Classification Scheme 2023. Collection method: clinical testing. Allele origin: germline.

Literature cited by the submitters: PubMed 28166811 (cited by Labcorp Genetics (formerly Invitae), Labcorp).

NM_212482.4(FN1):c.514A>G (p.Asn172Asp)

Gene: FN1 (fibronectin 1; minus strand). Cytogenetic location: 2q35.
Variant type: single nucleotide variant.
Coding change: c.514A>G on transcript NM_212482.4 (MANE Select); coding-DNA position 514, A replaced by G.
Protein change: p.Asn172Asp; replaces asparagine 172 with aspartic acid.
Molecular consequence: missense variant.
Genome position (GRCh38, 1-based): chr2:215,431,866, T>C on the plus strand (A>G on the coding strand, the complement: FN1 is on the minus strand). VCF-style: chr2-215431866-T-C. GRCh37 (hg19) VCF-style: chr2-216296589-T-C.
Other names: c.514A>G, p.Asn172Asp (NM_001306129.2, NM_001306130.2, NM_001306131.2 and 14 more transcripts); c.514A>G (NM_212482.1); short protein forms N172D.
Identifiers: ClinVar variation 1026424 (VCV001026424.8), dbSNP rs187465805, ClinGen allele CA2095541.